The following is an entry in ClinVar:

NM_030962.4(SBF2):c.2689G>A (p.Gly897Arg)

Genes: SBF2 (SET binding factor 2; minus strand), LOC101928008 (uncharacterized LOC101928008; plus strand). Cytogenetic location: 11p15.4.
Variant type: single nucleotide variant.
Coding change: c.2689G>A on transcript NM_030962.4 (MANE Select); coding-DNA position 2689, G replaced by A.
Protein change: p.Gly897Arg; replaces glycine 897 with arginine.
Molecular consequence: missense variant.
Genome position (GRCh38, 1-based): chr11:9,850,140, C>T on the plus strand (G>A on the coding strand, the complement: SBF2 is on the minus strand). VCF-style: chr11-9850140-C-T. GRCh37 (hg19) VCF-style: chr11-9871687-C-T.
Other names: c.2689G>A, p.Gly897Arg (NM_001386339.1); c.2560G>A, p.Gly854Arg (NM_001386342.1); short protein forms G897R, G854R.
Identifiers: ClinVar variation 476919 (VCV000476919.6), dbSNP rs1554924568, ClinGen allele CA379635607.

ClinVar aggregate classification (germline): Uncertain significance (1 of 4 stars; one submission).

Conditions:
Charcot-Marie-Tooth disease type 4. Also called: Charcot-Marie-Tooth disease, type IV; Charcot-Marie-Tooth, Type 4. Identifiers: Orphanet 64749, MedGen C4082197, MONDO:0018995.

Allele frequency attached by ClinVar (database versions not stated): gnomAD exomes below 0.00001.
gnomAD v4.1: 1 of 1,614,112 alleles (0.000062%); highest among the groups gnomAD compares: Non-Finnish European, 0.000085%; no homozygotes.

Submission:

Labcorp Genetics (formerly Invitae), Labcorp
Classification: Uncertain significance for Charcot-Marie-Tooth disease type 4. Last evaluated: 2021-08-27. Review status: criteria provided, single submitter. Criteria: Invitae Variant Classification Sherloc (09022015). Collection method: clinical testing. Allele origin: germline.
Comment: This sequence change replaces glycine with arginine at codon 897 of the SBF2 protein (p.Gly897Arg). The glycine residue is highly conserved and there is a moderate physicochemical difference between glycine and arginine. This variant is not present in population databases (ExAC no frequency). This variant has not been reported in the literature in individuals affected with SBF2-related conditions. Algorithms developed to predict the effect of missense changes on protein structure and function are either unavailable or do not agree on the potential impact of this missense change (SIFT: "Deleterious"; PolyPhen-2: "Probably Damaging"; Align-GVGD: "Class C0"). Algorithms developed to predict the effect of sequence changes on RNA splicing suggest that this variant may create or strengthen a splice site. In summary, the available evidence is currently insufficient to determine the role of this variant in disease. Therefore, it has been classified as a Variant of Uncertain Significance.